The following is an entry in ClinVar:

NM_001035.3(RYR2):c.14808+4G>A

Gene: RYR2 (ryanodine receptor 2; plus strand). Cytogenetic location: 1q43.
Variant type: single nucleotide variant.
Coding change: c.14808+4G>A on transcript NM_001035.3 (MANE Select); 4 bases into the intron after coding-DNA position 14808, G replaced by A.
Molecular consequence: intron variant.
Genome position (GRCh38, 1-based): chr1:237,831,569, G>A. VCF-style: chr1-237831569-G-A. GRCh37 (hg19) VCF-style: chr1-237994869-G-A.
Identifiers: ClinVar variation 4757745 (VCV004757745.1).

ClinVar aggregate classification (germline): Uncertain significance (1 of 4 stars; one submission).

Conditions:
Cardiomyopathy (CMYO). Also called: Cardiomyopathies. Identifiers: Orphanet 167848, MedGen C0878544, MONDO:0004994, HP:0001638. Inheritance: Various modes of inheritance.

gnomAD v4.1: 5 of 1,520,360 alleles (0.00033%); highest among the groups gnomAD compares: Admixed American, 0.0087%; no homozygotes.

Submission:

Color Diagnostics, LLC DBA Color Health
Classification: Uncertain significance for Cardiomyopathy. Last evaluated: 2025-07-17. Review status: criteria provided, single submitter. Criteria: ACMG Guidelines, 2015. Collection method: clinical testing. Allele origin: germline.
Comment: This variant causes a G to A nucleotide substitution at the +4 position of intron 104/104 of the RYR2 gene. To our knowledge, functional studies have not been reported for this variant. This variant has not been reported in individuals affected with RYR2-related disorders in the literature. This variant has been identified in 4/232736 chromosomes in the general population by the Genome Aggregation Database (gnomAD). The available evidence is insufficient to determine the role of this variant in disease conclusively. Therefore, this variant is classified as a Variant of Uncertain Significance.